The following is an entry in ClinVar:

NM_015909.4(NBAS):c.1918T>C (p.Tyr640His)

Gene: NBAS (NBAS subunit of NRZ tethering complex; minus strand). Cytogenetic location: 2p24.3.
Variant type: single nucleotide variant.
Coding change: c.1918T>C on transcript NM_015909.4 (MANE Select); coding-DNA position 1918, T replaced by C.
Protein change: p.Tyr640His; replaces tyrosine 640 with histidine.
Molecular consequence: missense variant. On other transcripts: non-coding transcript variant (1).
Genome position (GRCh38, 1-based): chr2:15,467,764, A>G on the plus strand (T>C on the coding strand, the complement: NBAS is on the minus strand). VCF-style: chr2-15467764-A-G. GRCh37 (hg19) VCF-style: chr2-15607888-A-G.
Other names: short protein forms Y640H.
Identifiers: ClinVar variation 4999240 (VCV004999240.1).

ClinVar aggregate classification (germline): Uncertain significance (1 of 4 stars; one submission).

Conditions:
NBAS-related disorder. Also called: NBAS-related condition.

gnomAD v4.1: 4 of 1,596,752 alleles (0.00025%); highest among the groups gnomAD compares: African/African-American, 0.0054%; no homozygotes.

Submission:

PreventionGenetics, part of Exact Sciences
Classification: Uncertain significance for NBAS-related condition. Last evaluated: 2025-01-18. Review status: criteria provided, single submitter. Criteria: ACMG Guidelines, 2015. Collection method: clinical testing. Allele origin: germline.
Comment: The NBAS c.1918T>C variant is predicted to result in the amino acid substitution p.Tyr640His. To our knowledge, this variant has not been reported in the literature. This variant is present in 0.0062% of alleles in individuals of African descent in gnomAD. At this time, the clinical significance of this variant is uncertain due to the absence of conclusive functional and genetic evidence.